The following is an entry in ClinVar:

NM_000426.4(LAMA2):c.7417del (p.Leu2473fs)

Gene: LAMA2 (laminin subunit alpha 2; plus strand). Cytogenetic location: 6q22.33.
Variant type: Deletion.
Coding change: c.7417del on transcript NM_000426.4 (MANE Select); coding-DNA position 7417, one base deleted (C; older notation c.7417delC).
Protein change: p.Leu2473fs; shifts the reading frame from leucine 2473.
Molecular consequence: frameshift variant.
Genome position (GRCh38, 1-based): chr6:129,473,330, C deleted; the last of 2 consecutive C bases (chr6:129,473,329-129,473,330); deleting either gives the same sequence. VCF-style (leftmost placement, unchanged base first): chr6-129473328-GC-G. GRCh37 (hg19) VCF-style: chr6-129794473-GC-G.
Other names: c.7417del, p.Leu2473fs (NM_001079823.2); short protein forms L2473fs.
Identifiers: ClinVar variation 3640489 (VCV003640489.2).
Genomic context (GRCh38, chr6:129,473,328, plus strand): 5'-CGTCTTCTGGAAACAACTTTGGTCTTGACTTGAAAGCAGATGACAAAATATATTTTGGTG[GC>G]CTGCCAACGCTGAGAAACTTGAGGTAATTTAGTTTATATGTAAAGCTAAGGATTAAGTTT-3'

ClinVar aggregate classification (germline): Pathogenic (1 of 4 stars; one submission).

Conditions:
LAMA2-related muscular dystrophy (LAMA2-RD). Also called: Laminin alpha 2-related dystrophy. Identifiers: MedGen C5679788, MONDO:0100228.

Submission:

Labcorp Genetics (formerly Invitae), Labcorp
Classification: Pathogenic for LAMA2-related muscular dystrophy. Last evaluated: 2024-02-13. Review status: criteria provided, single submitter. Criteria: Invitae Variant Classification Sherloc (09022015). Collection method: clinical testing. Allele origin: germline.
Comment: This sequence change creates a premature translational stop signal (p.Leu2473Cysfs*4) in the LAMA2 gene. It is expected to result in an absent or disrupted protein product. Loss-of-function variants in LAMA2 are known to be pathogenic (PMID: 18700894, 32904964). This variant is not present in population databases (gnomAD no frequency). This variant has not been reported in the literature in individuals affected with LAMA2-related conditions. For these reasons, this variant has been classified as Pathogenic.

Literature cited by the submitters: PubMed 18700894; PubMed 32904964.